The following is an entry in ClinVar:

ClinVar aggregate classification (germline): Uncertain significance. Review status: criteria provided, multiple submitters, no conflicts (2 of 4 stars). 2 submissions from 2 submitters: Uncertain significance (2). Last evaluated 2025-11-11.

Conditions:
Transcobalamin I deficiency (TCN1D). Also called: COBALAMIN PSEUDODEFICIENCY DUE TO TRANSCOBALAMIN DEFICIENCY; COBALAMIN R BINDER PROTEIN DEFICIENCY; TCN1 DEFICIENCY. Identifiers: Orphanet 2967, MedGen C0342700, MONDO:0008659, OMIM 193090.

Allele frequency attached by ClinVar (database versions not stated): gnomAD 0.00003 and 0.00002; TOPMed 0.00005; gnomAD exomes 0.00015 and 0.00023; ExAC 0.00026.
gnomAD v4.1: 222 of 1,613,862 alleles (0.014%); highest among the groups gnomAD compares: Middle Eastern, 0.2%; 2 homozygotes.

Submissions (2):

Ambry Genetics
Classification: Uncertain significance. Last evaluated: 2025-11-11. Review status: criteria provided, single submitter. Criteria: Ambry Variant Classification Scheme 2023. Collection method: clinical testing. Allele origin: germline.

Labcorp Genetics (formerly Invitae), Labcorp
Classification: Uncertain significance for Transcobalamin I deficiency. Last evaluated: 2022-05-16. Review status: criteria provided, single submitter. Criteria: Invitae Variant Classification Sherloc (09022015). Collection method: clinical testing. Allele origin: germline.
Comment: This variant is present in population databases (rs778331099, gnomAD 0.1%). This sequence change replaces asparagine, which is neutral and polar, with serine, which is neutral and polar, at codon 47 of the TCN1 protein (p.Asn47Ser). This variant has not been reported in the literature in individuals affected with TCN1-related conditions. ClinVar contains an entry for this variant (Variation ID: 1035343). Algorithms developed to predict the effect of missense changes on protein structure and function (SIFT, PolyPhen-2, Align-GVGD) all suggest that this variant is likely to be tolerated. In summary, the available evidence is currently insufficient to determine the role of this variant in disease. Therefore, it has been classified as a Variant of Uncertain Significance.

NM_001062.4(TCN1):c.140A>G (p.Asn47Ser)

Gene: TCN1 (transcobalamin 1; minus strand). Cytogenetic location: 11q12.1.
Variant type: single nucleotide variant.
Coding change: c.140A>G on transcript NM_001062.4 (MANE Select); coding-DNA position 140, A replaced by G.
Protein change: p.Asn47Ser; replaces asparagine 47 with serine.
Molecular consequence: missense variant.
Genome position (GRCh38, 1-based): chr11:59,864,026, T>C on the plus strand (A>G on the coding strand, the complement: TCN1 is on the minus strand). VCF-style: chr11-59864026-T-C. GRCh37 (hg19) VCF-style: chr11-59631499-T-C.
Other names: c.140A>G (NM_001062.3); short protein forms N47S.
Identifiers: ClinVar variation 1035343 (VCV001035343.7), dbSNP rs778331099, ClinGen allele CA6022120.